The following is an entry in ClinVar:

NM_182914.3(SYNE2):c.20150C>G (p.Ala6717Gly)

Gene: SYNE2 (spectrin repeat containing nuclear envelope protein 2; plus strand). Cytogenetic location: 14q23.2.
Variant type: single nucleotide variant.
Coding change: c.20150C>G on transcript NM_182914.3 (MANE Select); coding-DNA position 20150, C replaced by G.
Protein change: p.Ala6717Gly; replaces alanine 6717 with glycine.
Molecular consequence: missense variant.
Genome position (GRCh38, 1-based): chr14:64,221,664, C>G. VCF-style: chr14-64221664-C-G. GRCh37 (hg19) VCF-style: chr14-64688382-C-G.
Other names: c.20081C>G, p.Ala6694Gly (NM_015180.6); c.716C>G, p.Ala239Gly (NM_182910.2); c.1094C>G, p.Ala365Gly (NM_182913.4); short protein forms A239G, A365G, A6694G, A6717G.
Identifiers: ClinVar variation 2419561 (VCV002419561.6), dbSNP rs747426260, ClinGen allele CA389972635.
Genomic context (GRCh38, chr14:64,221,664, plus strand): 5'-TGCTGTGGTTAGCGAGTGCCAAGAACCGGAGGCAGAAGGCTCATGTCACCGATCCAAAGG[C>G]AGACCCCCGGGCTCTCCTAGAGTGTCGGAGGGAACTAATGGTAAGTTTCCTCCCAAGGGC-3'
Protein context (NP_878918.2, residues 6707-6727): RQKAHVTDPK[Ala6717Gly]DPRALLECRR

ClinVar aggregate classification (germline): Uncertain significance (1 of 4 stars; one submission).

Conditions:
Emery-Dreifuss muscular dystrophy 5, autosomal dominant (EDMD5). Also called: EMERY-DREIFUSS MUSCULAR DYSTROPHY 5. Identifiers: Orphanet 261, MedGen C2751805, MONDO:0013072, OMIM 612999.

gnomAD v4.1: 2 of 1,614,168 alleles (0.00012%); highest among the groups gnomAD compares: Admixed American, 0.0017%; no homozygotes.

Submission:

Labcorp Genetics (formerly Invitae), Labcorp
Classification: Uncertain significance for Emery-Dreifuss muscular dystrophy 5, autosomal dominant. Last evaluated: 2022-11-08. Review status: criteria provided, single submitter. Criteria: Invitae Variant Classification Sherloc (09022015). Collection method: clinical testing. Allele origin: germline.
Comment: This sequence change replaces alanine, which is neutral and non-polar, with glycine, which is neutral and non-polar, at codon 6717 of the SYNE2 protein (p.Ala6717Gly). This variant is present in population databases (no rsID available, gnomAD 0.007%). In summary, the available evidence is currently insufficient to determine the role of this variant in disease. Therefore, it has been classified as a Variant of Uncertain Significance. Algorithms developed to predict the effect of missense changes on protein structure and function are either unavailable or do not agree on the potential impact of this missense change (SIFT: "Tolerated"; PolyPhen-2: "Probably Damaging"; Align-GVGD: "Class C0"). This variant has not been reported in the literature in individuals affected with SYNE2-related conditions.